The following is an entry in ClinVar:

ClinVar aggregate classification (germline): Likely benign (0 of 4 stars; one submission).

Conditions:
ALG12-related disorder. Also called: ALG12-related condition.

Submission:

PreventionGenetics, part of Exact Sciences
Classification: Likely benign for ALG12-related condition. Last evaluated: 2020-05-21. Review status: no assertion criteria provided. Collection method: clinical testing. Allele origin: germline.
Comment: This variant is classified as likely benign based on ACMG/AMP sequence variant interpretation guidelines (Richards et al. 2015 PMID: 25741868, with internal and published modifications).

NM_024105.4(ALG12):c.810C>G (p.Arg270=)

Gene: ALG12 (ALG12 alpha-1,6-mannosyltransferase; minus strand). Cytogenetic location: 22q13.33.
Variant type: single nucleotide variant.
Coding change: c.810C>G on transcript NM_024105.4 (MANE Select); coding-DNA position 810, C replaced by G.
Protein change: p.Arg270=; no amino-acid change (arginine 270 retained).
Molecular consequence: synonymous variant.
Genome position (GRCh38, 1-based): chr22:49,907,903, G>C on the plus strand (C>G on the coding strand, the complement: ALG12 is on the minus strand). VCF-style: chr22-49907903-G-C. GRCh37 (hg19) VCF-style: chr22-50301551-G-C.
Identifiers: ClinVar variation 3059648 (VCV003059648.2), dbSNP rs755519504, ClinGen allele CA514983484.